The following is an entry in ClinVar:

NM_005045.4(RELN):c.9205C>A (p.His3069Asn)

Genes: SLC26A5-AS1 (SLC26A5 antisense RNA 1; plus strand), RELN (reelin; minus strand). Cytogenetic location: 7q22.1.
Variant type: single nucleotide variant.
Coding change: c.9205C>A on transcript NM_005045.4 (MANE Select); coding-DNA position 9205, C replaced by A.
Protein change: p.His3069Asn; replaces histidine 3069 with asparagine.
Molecular consequence: missense variant.
Genome position (GRCh38, 1-based): chr7:103,495,887, G>T on the plus strand (C>A on the coding strand, the complement: RELN is on the minus strand). VCF-style: chr7-103495887-G-T. GRCh37 (hg19) VCF-style: chr7-103136334-G-T.
Other names: c.9205C>A, p.His3069Asn (NM_173054.3); short protein forms H3069N.
Identifiers: ClinVar variation 952920 (VCV000952920.9), dbSNP rs1828826425, ClinGen allele CA368749426.
Genomic context (GRCh38, chr7:103,495,887, plus strand): 5'-GATTGCCACAAAATCCTGCTGTCCTTACAGCATTAGGGTAAAAACTCCAGTTTTCTTCAT[G>T]GGAAGTGCCTTCTGTTAAGGAAAATTGGAAGCAATATGGCATATTATTCTCTTGAGGAAA-3'
Protein context (NP_005036.2, residues 3059-3079): VDTFDDEGTS[His3069Asn]EENWSFYPNA

ClinVar aggregate classification (germline): Uncertain significance (1 of 4 stars; one submission).

Conditions:
Norman-Roberts syndrome (LIS2). Also called: Lissencephaly 2 (Norman-Roberts type). Identifiers: Orphanet 89844, MedGen C0796089, MONDO:0009760, OMIM 257320.
Familial temporal lobe epilepsy 7. Identifiers: Orphanet 101046, MedGen C4225327, MONDO:0014639, OMIM 616436.

Submission:

Labcorp Genetics (formerly Invitae), Labcorp
Classification: Uncertain significance for Familial temporal lobe epilepsy 7; Norman-Roberts syndrome. Last evaluated: 2019-07-09. Review status: criteria provided, single submitter. Criteria: Invitae Variant Classification Sherloc (09022015). Collection method: clinical testing. Allele origin: germline.
Comment: In summary, the available evidence is currently insufficient to determine the role of this variant in disease. Therefore, it has been classified as a Variant of Uncertain Significance. This sequence change replaces histidine with asparagine at codon 3069 of the RELN protein (p.His3069Asn). The histidine residue is moderately conserved and there is a small physicochemical difference between histidine and asparagine. This variant is not present in population databases (ExAC no frequency). This variant has not been reported in the literature in individuals with RELN-related conditions. Algorithms developed to predict the effect of missense changes on protein structure and function are either unavailable or do not agree on the potential impact of this missense change (SIFT: "Deleterious"; PolyPhen-2: "Benign"; Align-GVGD: "Class C0").